The following is an entry in ClinVar:

NM_006949.4(STXBP2):c.664-8C>T

Gene: STXBP2 (syntaxin binding protein 2; plus strand). Cytogenetic location: 19p13.2.
Variant type: single nucleotide variant.
Coding change: c.664-8C>T on transcript NM_006949.4 (MANE Select); 8 bases into the intron before coding-DNA position 664, C replaced by T.
Molecular consequence: intron variant.
Genome position (GRCh38, 1-based): chr19:7,642,195, C>T. VCF-style: chr19-7642195-C-T. GRCh37 (hg19) VCF-style: chr19-7707081-C-T.
Other names: c.664-8C>T (NM_006949.3); c.697-8C>T (NM_001272034.2); c.655-8C>T (NM_001127396.3).
Identifiers: ClinVar variation 1915147 (VCV001915147.6), dbSNP rs1157660422, ClinGen allele CA631701967.
Genomic context (GRCh38, chr19:7,642,195, plus strand): 5'-GGGAGGTGAGGGGCAGCCCCAACCGGCTCAGGGTCAGTGCCTCATTCCTGCCCTAAACCC[C>T]ACCCCAGGGCCCAGAGAAAACCCGCTCCCAGCTGCTGATAATGGACCGGGCAGCTGACCC-3'

ClinVar aggregate classification (germline): Likely benign. Review status: criteria provided, multiple submitters, no conflicts (2 of 4 stars). 2 submissions from 2 submitters: Likely benign (2). Last evaluated 2026-09-04.

Conditions:
STXBP2-related disorder. Also called: STXBP2-related condition.
Familial hemophagocytic lymphohistiocytosis 5. Also called: STXBP2-Related Familial Hemophagocytic Lymphohistiocytosis (STXBP2-fHLH). Identifiers: Orphanet 540, MedGen C2751293, MONDO:0013135, OMIM 613101.

Allele frequency attached by ClinVar (database versions not stated): TOPMed below 0.00001; gnomAD exomes 0.00001.
gnomAD v4.1: 3 of 1,614,146 alleles (0.00019%); highest among the groups gnomAD compares: Non-Finnish European, 0.00025%; no homozygotes.

Submissions (2):

PreventionGenetics, part of Exact Sciences
Classification: Likely benign for STXBP2-related condition. Last evaluated: 2026-09-04. Review status: criteria provided, single submitter. Criteria: ACMG Guidelines, 2015. Collection method: clinical testing. Allele origin: germline.
Comment: This variant is classified as likely benign based on ACMG/AMP sequence variant interpretation guidelines (Richards et al. 2015 PMID: 25741868, with internal and published modifications).

Labcorp Genetics (formerly Invitae), Labcorp
Classification: Likely benign for Familial hemophagocytic lymphohistiocytosis 5. Last evaluated: 2025-07-31. Review status: criteria provided, single submitter. Criteria: Invitae Variant Classification Sherloc (09022015). Collection method: clinical testing. Allele origin: germline.